The following is an entry in ClinVar:

chr11:1092954..1857751 complex variant

Genes: BRSK2 (BR serine/threonine kinase 2; plus strand), CTSD (cathepsin D; minus strand), DUSP8 (dual specificity phosphatase 8; minus strand), IFITM10 (interferon induced transmembrane protein 10; minus strand), KRTAP5-1 (keratin associated protein 5-1; minus strand) and 11 more. Cytogenetic location: 11p15.5.
Variant type: Complex.
Identifiers: ClinVar variation 221367 (VCV000221367.2).

ClinVar aggregate classification (germline): Uncertain significance (0 of 4 stars; one submission).

Conditions:
Breast ductal adenocarcinoma. Also called: Ductal breast carcinoma; Breast cancer, invasive ductal. Identifiers: MedGen C1527349, MONDO:0005590.

Submission:

Next Generation Diagnostics, Novartis Institutes for BioMedical Research, Inc.
Classification: Uncertain significance for Breast ductal adenocarcinoma. Last evaluated: 2015-07-20. Review status: no assertion criteria provided. Collection method: research. Allele origin: somatic. Affected: yes.
Comment: Loss of heterozygosity